The following is an entry in ClinVar:

NM_020843.4(SCAPER):c.736C>T (p.Pro246Ser)

Gene: SCAPER (S-phase cyclin A associated protein in the ER; minus strand). Cytogenetic location: 15q24.3.
Variant type: single nucleotide variant.
Coding change: c.736C>T on transcript NM_020843.4 (MANE Select); coding-DNA position 736, C replaced by T.
Protein change: p.Pro246Ser; replaces proline 246 with serine.
Molecular consequence: missense variant. On other transcripts: 5 prime UTR variant (1), non-coding transcript variant (1).
Genome position (GRCh38, 1-based): chr15:76,795,316, G>A on the plus strand (C>T on the coding strand, the complement: SCAPER is on the minus strand). VCF-style: chr15-76795316-G-A. GRCh37 (hg19) VCF-style: chr15-77087657-G-A.
Other names: c.736C>T (NM_001353009.1); c.-162C>T (NM_001145923.2); c.736C>T, p.Pro246Ser (NM_001353009.2); c.334C>T, p.Pro112Ser (NM_001353010.2, NM_001353011.2, NM_001353012.2); short protein forms P112S, P246S.
Identifiers: ClinVar variation 3437865 (VCV003437865.2).
Genomic context (GRCh38, chr15:76,795,316, plus strand): 5'-AATGGCTAATTCGAAGTCACTTGCCATTTTTGCGTGAGGCCTTCTGCACTGTCATTGGTG[G>A]GCAAGACTGGGCGGGTGTTATTTCTGAAGAAGCAGTAGAGCCTGTATGATGAGCCTTTAC-3'
Protein context (NP_065894.2, residues 236-256): SSEITPAQSC[Pro246Ser]PMTVQKASRK

ClinVar aggregate classification (germline): Uncertain significance. Review status: criteria provided, multiple submitters, no conflicts (2 of 4 stars). 2 submissions from 2 submitters: Uncertain significance (2). Last evaluated 2025-08-04.

Conditions:
SCAPER-related disorder. Also called: SCAPER-related condition.
Inborn genetic diseases. Identifiers: MedGen C0950123, MeSH D030342.

gnomAD v4.1: 2 of 1,612,916 alleles (0.00012%); highest among the groups gnomAD compares: African/African-American, 0.0027%; no homozygotes.

Submissions (2):

PreventionGenetics, part of Exact Sciences
Classification: Uncertain significance for SCAPER-related condition. Last evaluated: 2025-08-04. Review status: criteria provided, single submitter. Criteria: ACMG Guidelines, 2015. Collection method: clinical testing. Allele origin: germline.
Comment: The SCAPER c.736C>T variant is predicted to result in the amino acid substitution p.Pro246Ser. To our knowledge, this variant has not been reported in the literature. This variant is reported in 0.0065% of alleles in individuals of African descent in gnomAD. At this time, the clinical significance of this variant is uncertain due to the absence of conclusive functional and genetic evidence.

Ambry Genetics
Classification: Uncertain significance for Inborn genetic diseases. Last evaluated: 2024-08-05. Review status: criteria provided, single submitter. Criteria: Ambry Variant Classification Scheme 2023. Collection method: clinical testing. Allele origin: germline.